The following is an entry in ClinVar:

ClinVar aggregate classification (germline): Uncertain significance (1 of 4 stars; one submission).

Conditions:
Autosomal recessive mendelian susceptibility to mycobacterial diseases due to complete RORgamma receptor deficiency. Also called: Immunodeficiency 42. Identifiers: Orphanet 477857, MedGen C5567647, MONDO:0014710, OMIM 616622.

Allele frequency attached by ClinVar (database versions not stated): gnomAD exomes below 0.00001; gnomAD 0.00001; TOPMed 0.00001.
gnomAD v4.1: 8 of 1,613,894 alleles (0.0005%); highest among the groups gnomAD compares: Non-Finnish European, 0.00059%; no homozygotes.

Submission:

Labcorp Genetics (formerly Invitae), Labcorp
Classification: Uncertain significance for Autosomal recessive mendelian susceptibility to mycobacterial diseases due to complete RORgamma receptor deficiency. Last evaluated: 2019-11-18. Review status: criteria provided, single submitter. Criteria: Invitae Variant Classification Sherloc (09022015). Collection method: clinical testing. Allele origin: germline.
Comment: In summary, the available evidence is currently insufficient to determine the role of this variant in disease. Therefore, it has been classified as a Variant of Uncertain Significance. Algorithms developed to predict the effect of missense changes on protein structure and function (SIFT, PolyPhen-2, Align-GVGD) all suggest that this variant is likely to be tolerated, but these predictions have not been confirmed by published functional studies and their clinical significance is uncertain. This variant has not been reported in the literature in individuals with RORC-related conditions. This variant is not present in population databases (ExAC no frequency). This sequence change replaces histidine with glutamine at codon 452 of the RORC protein (p.His452Gln). The histidine residue is moderately conserved and there is a small physicochemical difference between histidine and glutamine.

NM_005060.4(RORC):c.1356T>A (p.His452Gln)

Gene: RORC (RAR related orphan receptor C; minus strand). Cytogenetic location: 1q21.3.
Variant type: single nucleotide variant.
Coding change: c.1356T>A on transcript NM_005060.4 (MANE Select); coding-DNA position 1356, T replaced by A.
Protein change: p.His452Gln; replaces histidine 452 with glutamine.
Molecular consequence: missense variant.
Genome position (GRCh38, 1-based): chr1:151,811,364, A>T on the plus strand (T>A on the coding strand, the complement: RORC is on the minus strand). VCF-style: chr1-151811364-A-T. GRCh37 (hg19) VCF-style: chr1-151783840-A-T.
Other names: c.1293T>A, p.His431Gln (NM_001001523.2); short protein forms H452Q, H431Q.
Identifiers: ClinVar variation 855597 (VCV000855597.9), dbSNP rs200854121, ClinGen allele CA30491767.
Genomic context (GRCh38, chr1:151,811,364, plus strand): 5'-TACCCCAGGGACTGCTCCTACCTTTGCCAGGATGCTTTGGCGATGAGTCTTGCAGAGATG[A>T]TGATGAAAGGCCAGCTCCAGATTGTACTGCAGCTGTTCTACTTTCCTTTTCTCTTGGAGC-3'
Protein context (NP_005051.2, residues 442-462): LQYNLELAFH[His452Gln]HLCKTHRQSI